The following is an entry in ClinVar:

NM_001110556.2(FLNA):c.1621G>A (p.Glu541Lys)

Gene: FLNA (filamin A; minus strand). Cytogenetic location: Xq28.
Variant type: single nucleotide variant.
Coding change: c.1621G>A on transcript NM_001110556.2 (MANE Select); coding-DNA position 1621, G replaced by A.
Protein change: p.Glu541Lys; replaces glutamic acid 541 with lysine.
Molecular consequence: missense variant.
Genome position (GRCh38, 1-based): chrX:154,365,206, C>T on the plus strand (G>A on the coding strand, the complement: FLNA is on the minus strand). VCF-style: chrX-154365206-C-T. GRCh37 (hg19) VCF-style: chrX-153593574-C-T.
Other names: p.E541K:GAG>AAG; p.Glu541Lys; c.1621G>A, p.Glu541Lys (NM_001456.4); short protein forms E541K.
Identifiers: ClinVar variation 213521 (VCV000213521.23), dbSNP rs743546, ClinGen allele CA325389.

ClinVar aggregate classification (germline): Conflicting classifications of pathogenicity. Review status: criteria provided, conflicting classifications (1 of 4 stars). 6 submissions from 6 submitters: Uncertain significance (2); Likely benign (4). Last evaluated 2026-01-05.

Conditions:
Oto-palato-digital syndrome, type II (OPD2). Also called: Otopalatodigital Syndrome, Type II; FACIOPALATOOSSEOUS SYNDROME; OPD II SYNDROME; Otopalatodigital Syndrome Type 2 (FLNA-OPD2). Identifiers: Orphanet 669, Orphanet 90652, MedGen C1844696, MONDO:0010571, OMIM 304120.
Frontometaphyseal dysplasia (FMD1). Identifiers: Orphanet 1826, MedGen C0265293, MONDO:0015942.
Heterotopia, periventricular, X-linked dominant (PVNH1). Also called: PERIVENTRICULAR NODULAR HETEROTOPIA 1; X-linked periventricular heterotopia; PERIVENTRICULAR NODULAR HETEROTOPIA 4; HETEROTOPIA, PERIVENTRICULAR, 1. Identifiers: Orphanet 2149, Orphanet 82004, MedGen C1848213, MONDO:0010233, OMIM 300049.
Melnick-Needles syndrome (MNS). Also called: MELNICK-NEEDLES OSTEODYSPLASTY; OSTEODYSPLASTY OF MELNICK AND NEEDLES; Melnick-Needles Syndrome (FLNA-MNS). Identifiers: Orphanet 2484, MedGen C0025237, MONDO:0010650, OMIM 309350.
FLNA-related disorder.
Familial thoracic aortic aneurysm and aortic dissection (TAAD). Also called: Thoracic aortic aneurysms and dissections. Identifiers: Orphanet 91387, MedGen C4707243, MONDO:0019625.
Intestinal pseudoobstruction, neuronal, chronic idiopathic, X-linked (CIIPX). Also called: CONGENITAL IDIOPATHIC INTESTINAL PSEUDOOBSTRUCTION; INTESTINAL PSEUDOOBSTRUCTION, NEURONAL, CHRONIC IDIOPATHIC, WITH CENTRAL NERVOUS SYSTEM INVOLVEMENT; FLNA-Related Periventricular Nodular Heterotopia (FLNA-Related PVNH; Huttenlocher Syndrome). Identifiers: Orphanet 2301, MedGen C2746068, MONDO:0010232, OMIM 300048.

Allele frequency attached by ClinVar (database versions not stated): gnomAD 0.00004 and 0.00005; TOPMed 0.00004.
gnomAD v4.1: 24 of 1,210,090 alleles (0.002%); highest among the groups gnomAD compares: Admixed American, 0.02%; no homozygotes.

Submissions (6):

Labcorp Genetics (formerly Invitae), Labcorp
Classification: Likely benign for Oto-palato-digital syndrome, type II; Heterotopia, periventricular, X-linked dominant; Frontometaphyseal dysplasia; Melnick-Needles syndrome. Last evaluated: 2026-01-05. Review status: criteria provided, single submitter. Criteria: Invitae Variant Classification Sherloc (09022015). Collection method: clinical testing. Allele origin: germline.

PreventionGenetics, part of Exact Sciences
Classification: Uncertain significance for FLNA-related condition. Last evaluated: 2022-09-07. Review status: criteria provided, single submitter. Criteria: ACMG Guidelines, 2015. Collection method: clinical testing. Allele origin: germline.
Comment: The FLNA c.1621G>A variant is predicted to result in the amino acid substitution p.Glu541Lys. To our knowledge, this variant has not been reported in the literature. This variant is reported in 0.016% of alleles in individuals of African descent in gnomAD, including four hemizygous individuals. Although we suspect this variant may be benign, at this time, the clinical significance of this variant is uncertain due to the absence of conclusive functional and genetic evidence.

Johns Hopkins Genomics, Johns Hopkins University
Classification: Likely benign for Intestinal pseudoobstruction, neuronal, chronic idiopathic, X-linked. Last evaluated: 2021-11-16. Review status: criteria provided, single submitter. Criteria: ACMG Guidelines, 2015. Collection method: clinical testing. Allele origin: germline.

Mayo Clinic Laboratories, Mayo Clinic
Classification: Uncertain significance. Last evaluated: 2021-04-14. Review status: criteria provided, single submitter. Criteria: ACMG Guidelines, 2015. Collection method: clinical testing. Allele origin: germline.

GeneDx
Classification: Likely benign. Last evaluated: 2020-12-31. Review status: criteria provided, single submitter. Criteria: GeneDx Variant Classification Process June 2021. Collection method: clinical testing. Allele origin: germline. Affected: yes.
Comment: In silico analysis, which includes protein predictors and evolutionary conservation, supports that this variant does not alter protein structure/function; Has not been previously published as pathogenic or benign to our knowledge

Ambry Genetics
Classification: Likely benign for Familial thoracic aortic aneurysm and aortic dissection. Last evaluated: 2018-12-18. Review status: criteria provided, single submitter. Criteria: Ambry Variant Classification Scheme 2023. Collection method: clinical testing. Allele origin: germline.

Literature cited by the submitters: PubMed 30089473 (cited by Johns Hopkins Genomics, Johns Hopkins University).